The following is an entry in ClinVar:

NM_002227.4(JAK1):c.3140+5C>T

Gene: JAK1 (Janus kinase 1; minus strand). Cytogenetic location: 1p31.3.
Variant type: single nucleotide variant.
Coding change: c.3140+5C>T on transcript NM_002227.4 (MANE Select); 5 bases into the intron after coding-DNA position 3140, C replaced by T.
Molecular consequence: intron variant.
Genome position (GRCh38, 1-based): chr1:64,837,927, G>A on the plus strand (C>T on the coding strand, the complement: JAK1 is on the minus strand). VCF-style: chr1-64837927-G-A. GRCh37 (hg19) VCF-style: chr1-65303610-G-A.
Other names: c.3140+5C>T (NM_001321852.2, NM_001321854.2, NM_001321853.2 and 3 more transcripts); c.3137+5C>T (NM_001321857.2).
Identifiers: ClinVar variation 1976939 (VCV001976939.5), dbSNP rs766096361, ClinGen allele CA892524.

ClinVar aggregate classification (germline): Uncertain significance (1 of 4 stars; one submission).

Allele frequency attached by ClinVar (database versions not stated): ExAC 0.00001; gnomAD 0.00001; TOPMed 0.00001; gnomAD exomes 0.00002.
gnomAD v4.1: 35 of 1,607,496 alleles (0.0022%); highest among the groups gnomAD compares: Non-Finnish European, 0.0027%; no homozygotes.

Submission:

Labcorp Genetics (formerly Invitae), Labcorp
Classification: Uncertain significance. Last evaluated: 2024-08-05. Review status: criteria provided, single submitter. Criteria: Invitae Variant Classification Sherloc (09022015). Collection method: clinical testing. Allele origin: germline.
Comment: This sequence change falls in intron 22 of the JAK1 gene. It does not directly change the encoded amino acid sequence of the JAK1 protein. It affects a nucleotide within the consensus splice site. This variant is present in population databases (rs766096361, gnomAD 0.007%). This variant has not been reported in the literature in individuals affected with JAK1-related conditions. ClinVar contains an entry for this variant (Variation ID: 1976939). Variants that disrupt the consensus splice site are a relatively common cause of aberrant splicing (PMID: 17576681, 9536098). Algorithms developed to predict the effect of sequence changes on RNA splicing suggest that this variant is not likely to affect RNA splicing. In summary, the available evidence is currently insufficient to determine the role of this variant in disease. Therefore, it has been classified as a Variant of Uncertain Significance.

Literature cited by the submitters: PubMed 17576681; PubMed 9536098.